The following is an entry in ClinVar:

NM_005035.4(POLRMT):c.3581+8G>A

Gene: POLRMT (RNA polymerase mitochondrial; minus strand). Cytogenetic location: 19p13.3.
Variant type: single nucleotide variant.
Coding change: c.3581+8G>A on transcript NM_005035.4 (MANE Select); 8 bases into the intron after coding-DNA position 3581, G replaced by A.
Molecular consequence: intron variant.
Genome position (GRCh38, 1-based): chr19:617,562, C>T on the plus strand (G>A on the coding strand, the complement: POLRMT is on the minus strand). VCF-style: chr19-617562-C-T. GRCh37 (hg19) VCF-style: chr19-617562-C-T.
Other names: c.3539+8G>A (NM_001407813.1); c.3560+8G>A (NM_001407811.1); c.3569+8G>A (NM_001407810.1); c.3590+8G>A (NM_001407807.1, NM_001407808.1); c.3572+8G>A (NM_001407809.1); c.3593+8G>A (NM_001407806.1); c.3257+8G>A (NM_001407832.1, NM_001407833.1); c.3356+8G>A (NM_001407830.1); and 10 more.
Identifiers: ClinVar variation 4939483 (VCV004939483.2).
Genomic context (GRCh38, chr19:617,562, plus strand): 5'-GGTGAGGCTGAGGCCAGGTTTTGGGGTGGGGGGGGAATCCAGGTAGTTGGGGTCAGGGAG[C>T]GCCTTACTCAGAGCAGAACCGCTTGACCAGGAATCTGGACAGGTCCTGCAGGATGGGCTC-3'

ClinVar aggregate classification (germline): Likely benign. Review status: criteria provided, multiple submitters, no conflicts (2 of 4 stars). 2 submissions from 2 submitters: Likely benign (2). Last evaluated 2026-09-01.

gnomAD v4.1: 833 of 1,611,152 alleles (0.052%); highest among the groups gnomAD compares: African/African-American, 0.53%; 4 homozygotes.

Submissions (2):

CeGaT Center for Human Genetics Tuebingen
Classification: Likely benign. Last evaluated: 2026-09-01. Review status: criteria provided, single submitter. Criteria: CeGaT Center For Human Genetics Tuebingen Variant Classification Criteria Version 2. Collection method: clinical testing. Allele origin: germline. Affected: yes. Observed: 1 variant allele.
Comment: POLRMT: BP4, BS2

Blueprint Genetics
Classification: Likely benign. Last evaluated: 2024-11-18. Review status: criteria provided, single submitter. Criteria: ACMG Guidelines, 2015. Collection method: clinical testing. Allele origin: germline.